The following is an entry in ClinVar:

NM_031475.3(ESPN):c.292C>T (p.Gln98Ter)

Gene: ESPN (espin; plus strand). Cytogenetic location: 1p36.31.
Variant type: single nucleotide variant.
Coding change: c.292C>T on transcript NM_031475.3 (MANE Select); coding-DNA position 292, C replaced by T.
Protein change: p.Gln98Ter; replaces glutamine 98 with a stop codon.
Molecular consequence: nonsense.
Genome position (GRCh38, 1-based): chr1:6,425,247, C>T. VCF-style: chr1-6425247-C-T. GRCh37 (hg19) VCF-style: chr1-6485307-C-T.
Other names: c.292C>T, p.Gln98Ter (NM_001367473.1, NM_001367474.1); short protein forms Q98*.
Identifiers: ClinVar variation 452503 (VCV000452503.2), dbSNP rs1220317427, ClinGen allele CA338084433.

ClinVar aggregate classification (germline): Likely pathogenic (1 of 4 stars; one submission).

Allele frequency attached by ClinVar (database versions not stated): TOPMed below 0.00001.

Submission:

GeneDx
Classification: Likely pathogenic. Last evaluated: 2017-10-09. Review status: criteria provided, single submitter. Criteria: GeneDx Variant Classification (06012015). Collection method: clinical testing. Allele origin: germline. Affected: yes.
Comment: The Q98X variant in the ESPN gene has not been reported previously as a pathogenic variant nor as a benign variant, to our knowledge. This variant is predicted to cause loss of normal protein function either through protein truncation or nonsense-mediated mRNA decay. The Q98X variant is not observed in large population cohorts (Lek et al., 2016). We interpret Q98X as a likely pathogenic variant.